The following is an entry in ClinVar:

NM_005654.6(NR2F1):c.988T>G (p.Ser330Ala)

Gene: NR2F1 (nuclear receptor subfamily 2 group F member 1; plus strand). Cytogenetic location: 5q15.
Variant type: single nucleotide variant.
Coding change: c.988T>G on transcript NM_005654.6 (MANE Select); coding-DNA position 988, T replaced by G.
Protein change: p.Ser330Ala; replaces serine 330 with alanine.
Molecular consequence: missense variant.
Genome position (GRCh38, 1-based): chr5:93,588,441, T>G. VCF-style: chr5-93588441-T-G. GRCh37 (hg19) VCF-style: chr5-92924147-T-G.
Other names: c.538T>G, p.Ser180Ala (NM_001410754.1); short protein forms S330A, S180A.
Identifiers: ClinVar variation 2012480 (VCV002012480.4), dbSNP rs2480809307, ClinGen allele CA360527532.

ClinVar aggregate classification (germline): Uncertain significance (1 of 4 stars; one submission).

Submission:

Labcorp Genetics (formerly Invitae), Labcorp
Classification: Uncertain significance. Last evaluated: 2022-06-30. Review status: criteria provided, single submitter. Criteria: Invitae Variant Classification Sherloc (09022015). Collection method: clinical testing. Allele origin: germline.
Comment: This variant has not been reported in the literature in individuals affected with NR2F1-related conditions. This variant is not present in population databases (gnomAD no frequency). This sequence change replaces serine, which is neutral and polar, with alanine, which is neutral and non-polar, at codon 330 of the NR2F1 protein (p.Ser330Ala). In summary, the available evidence is currently insufficient to determine the role of this variant in disease. Therefore, it has been classified as a Variant of Uncertain Significance. Advanced modeling of protein sequence and biophysical properties (such as structural, functional, and spatial information, amino acid conservation, physicochemical variation, residue mobility, and thermodynamic stability) performed at Invitae indicates that this missense variant is not expected to disrupt NR2F1 protein function.